The following is an entry in ClinVar:

NM_013339.4(ALG6):c.826G>A (p.Ala276Thr)

Gene: ALG6 (ALG6 alpha-1,3-glucosyltransferase; plus strand). Cytogenetic location: 1p31.3.
Variant type: single nucleotide variant.
Coding change: c.826G>A on transcript NM_013339.4 (MANE Select); coding-DNA position 826, G replaced by A.
Protein change: p.Ala276Thr; replaces alanine 276 with threonine.
Molecular consequence: missense variant.
Genome position (GRCh38, 1-based): chr1:63,414,070, G>A. VCF-style: chr1-63414070-G-A. GRCh37 (hg19) VCF-style: chr1-63879741-G-A.
Other names: short protein forms A276T.
Identifiers: ClinVar variation 1983895 (VCV001983895.4), dbSNP rs2523755449, ClinGen allele CA340636367.

ClinVar aggregate classification (germline): Uncertain significance (1 of 4 stars; one submission).

Conditions:
ALG6-congenital disorder of glycosylation 1C (CDG1C). Also called: CDG Ic; CARBOHYDRATE-DEFICIENT GLYCOPROTEIN SYNDROME, TYPE I, WITH DEFICIENT GLYCOSYLATION OF DOLICHOL-LINKED OLIGOSACCHARIDE; CARBOHYDRATE-DEFICIENT GLYCOPROTEIN SYNDROME, TYPE V; Congenital disorder of glycosylation type 1C; Congenital disorder of glycosylation, type Ic. Identifiers: Orphanet 79320, MedGen C2930997, MONDO:0011291, OMIM 603147.

Submission:

Labcorp Genetics (formerly Invitae), Labcorp
Classification: Uncertain significance for ALG6-congenital disorder of glycosylation 1C. Last evaluated: 2024-01-19. Review status: criteria provided, single submitter. Criteria: Invitae Variant Classification Sherloc (09022015). Collection method: clinical testing. Allele origin: germline.
Comment: This sequence change replaces alanine, which is neutral and non-polar, with threonine, which is neutral and polar, at codon 276 of the ALG6 protein (p.Ala276Thr). This variant is not present in population databases (gnomAD no frequency). This variant has not been reported in the literature in individuals affected with ALG6-related conditions. ClinVar contains an entry for this variant (Variation ID: 1983895). Advanced modeling of protein sequence and biophysical properties (such as structural, functional, and spatial information, amino acid conservation, physicochemical variation, residue mobility, and thermodynamic stability) performed at Invitae indicates that this missense variant is expected to disrupt ALG6 protein function with a positive predictive value of 80%. In summary, the available evidence is currently insufficient to determine the role of this variant in disease. Therefore, it has been classified as a Variant of Uncertain Significance.